The following is an entry in ClinVar:

NM_033305.3(VPS13A):c.5230A>G (p.Met1744Val)

Gene: VPS13A (vacuolar protein sorting 13 homolog A; plus strand). Cytogenetic location: 9q21.2.
Variant type: single nucleotide variant.
Coding change: c.5230A>G on transcript NM_033305.3 (MANE Select); coding-DNA position 5230, A replaced by G.
Protein change: p.Met1744Val; replaces methionine 1744 with valine.
Molecular consequence: missense variant.
Genome position (GRCh38, 1-based): chr9:77,318,508, A>G. VCF-style: chr9-77318508-A-G. GRCh37 (hg19) VCF-style: chr9-79933424-A-G.
Other names: c.5230A>G (NM_033305.2); c.5113A>G, p.Met1705Val (NM_001018037.2); c.5230A>G, p.Met1744Val (NM_001018038.3, NM_015186.4); short protein forms M1705V, M1744V.
Identifiers: ClinVar variation 2198094 (VCV002198094.2), dbSNP rs375501712, ClinGen allele CA5092706.

ClinVar aggregate classification (germline): Uncertain significance. Review status: criteria provided, multiple submitters, no conflicts (2 of 4 stars). 2 submissions from 2 submitters: Uncertain significance (2). Last evaluated 2025-04-28.

Allele frequency attached by ClinVar (database versions not stated): gnomAD 0.00002; TOPMed 0.00002; ExAC 0.00004; ESP Exome Variant Server 0.00008.

Submissions (2):

GeneDx
Classification: Uncertain significance. Last evaluated: 2025-04-28. Review status: criteria provided, single submitter. Criteria: GeneDx Variant Classification Process June 2021. Collection method: clinical testing. Allele origin: germline. Affected: yes.
Comment: In silico analysis supports that this missense variant has a deleterious effect on protein structure/function; Has not been previously published as pathogenic or benign to our knowledge

Labcorp Genetics (formerly Invitae), Labcorp
Classification: Uncertain significance. Last evaluated: 2022-08-22. Review status: criteria provided, single submitter. Criteria: Invitae Variant Classification Sherloc (09022015). Collection method: clinical testing. Allele origin: germline.
Comment: This sequence change replaces methionine, which is neutral and non-polar, with valine, which is neutral and non-polar, at codon 1744 of the VPS13A protein (p.Met1744Val). This variant is present in population databases (rs375501712, gnomAD 0.08%). This variant has not been reported in the literature in individuals affected with VPS13A-related conditions. Algorithms developed to predict the effect of missense changes on protein structure and function are either unavailable or do not agree on the potential impact of this missense change (SIFT: "Tolerated"; PolyPhen-2: "Probably Damaging"; Align-GVGD: "Class C0"). In summary, the available evidence is currently insufficient to determine the role of this variant in disease. Therefore, it has been classified as a Variant of Uncertain Significance.